The following is an entry in ClinVar:

NM_001164508.2(NEB):c.624_627delinsAGCAGCACG (p.Glu209fs)

Gene: NEB (nebulin; minus strand). Cytogenetic location: 2q23.3.
Variant type: Indel.
Coding change: c.624_627delinsAGCAGCACG on transcript NM_001164508.2 (MANE Select); coding-DNA positions 624 to 627, TGAA replaced by AGCAGCACG.
Protein change: p.Glu209fs; shifts the reading frame from glutamic acid 209.
Molecular consequence: frameshift variant.
Genome position (GRCh38, 1-based): chr2:151,723,472-151,723,475, TTCA replaced by CGTGCTGCT on the plus strand (TGAA replaced by AGCAGCACG on the coding strand, the reverse complement: NEB is on the minus strand). VCF-style: chr2-151723472-TTCA-CGTGCTGCT. GRCh37 (hg19) VCF-style: chr2-152579986-TTCA-CGTGCTGCT.
Other names: c.624_627delinsAGCAGCACG, p.Glu209fs (NM_001164507.2, NM_001271208.2, NM_004543.5); short protein forms E209fs.
Identifiers: ClinVar variation 1726464 (VCV001726464.2), dbSNP rs2552279147, ClinGen allele CA2580064054.

ClinVar aggregate classification (germline): Likely pathogenic (1 of 4 stars; one submission).

Conditions:
Nemaline myopathy 2 (NEM2). Also called: Nemaline myopathy 2, autosomal recessive. Identifiers: MedGen C1850569, MONDO:0009725, OMIM 256030.

Submission:

Myriad Genetics, Inc.
Classification: Likely pathogenic for Nemaline myopathy 2. Last evaluated: 2021-12-17. Review status: criteria provided, single submitter. Criteria: Myriad Women's Health Autosomal Recessive and X-Linked Classification Criteria (2021). Collection method: clinical testing. Allele origin: unknown.
Comment: NM_001271208.1(NEB):c.624_627del4ins9(E209Afs*21) is expected to be pathogenic in the context of NEB-related nemaline myopathy. This variant is predicted to lead to an abnormal or absent protein product due to the creation of a premature termination codon in NEB, a gene where loss-of-function variants are known to be pathogenic. Please note: this variant was assessed in the context of healthy population screening.